The following is an entry in ClinVar:

ClinVar aggregate classification (germline): Uncertain significance (1 of 4 stars; one submission).

Conditions:
Carney-Stratakis syndrome. Also called: PARAGANGLIOMA AND GASTROINTESTINAL STROMAL TUMOR. Identifiers: Orphanet 97286, MedGen C1847319, MONDO:0011740, OMIM 606864.
Pheochromocytoma. Also called: MAX-Related Hereditary Paraganglioma-Pheochromocytoma Syndrome. Identifiers: Orphanet 29072, MedGen C0031511, MONDO:0008233, OMIM 171300, HP:0002666.
Paragangliomas with sensorineural hearing loss. Identifiers: MedGen C1868633.
Cowden syndrome 3 (CWS3). Identifiers: Orphanet 201, MedGen CN166604, MONDO:0014045.

Submission:

Labcorp Genetics (formerly Invitae), Labcorp
Classification: Uncertain significance for Carney-Stratakis syndrome; Paragangliomas with sensorineural hearing loss; Pheochromocytoma; Cowden syndrome 3. Last evaluated: 2025-06-27. Review status: criteria provided, single submitter. Criteria: Invitae Variant Classification Sherloc (09022015). Collection method: clinical testing. Allele origin: germline.
Comment: This sequence change replaces leucine, which is neutral and non-polar, with methionine, which is neutral and non-polar, at codon 20 of the SDHD protein (p.Leu20Met). This variant is not present in population databases (gnomAD no frequency). This variant has not been reported in the literature in individuals affected with SDHD-related conditions. ClinVar contains an entry for this variant (Variation ID: 962457). Invitae Evidence Modeling of protein sequence and biophysical properties (such as structural, functional, and spatial information, amino acid conservation, physicochemical variation, residue mobility, and thermodynamic stability) indicates that this missense variant is expected to disrupt SDHD protein function with a positive predictive value of 95%. In summary, the available evidence is currently insufficient to determine the role of this variant in disease. Therefore, it has been classified as a Variant of Uncertain Significance.

NM_003002.4(SDHD):c.58T>A (p.Leu20Met)

Gene: SDHD (succinate dehydrogenase complex subunit D; plus strand). Cytogenetic location: 11q23.1.
Variant type: single nucleotide variant.
Coding change: c.58T>A on transcript NM_003002.4 (MANE Select); coding-DNA position 58, T replaced by A.
Protein change: p.Leu20Met; replaces leucine 20 with methionine.
Molecular consequence: missense variant. On other transcripts: non-coding transcript variant (1), intron variant (1).
Genome position (GRCh38, 1-based): chr11:112,087,862, T>A. VCF-style: chr11-112087862-T-A. GRCh37 (hg19) VCF-style: chr11-111958586-T-A.
Other names: c.58T>A, p.Leu20Met (NM_001276503.2, NM_001276506.2); c.52+903T>A (NM_001276504.2); short protein forms L20M.
Identifiers: ClinVar variation 962457 (VCV000962457.5), dbSNP rs1298878168, ClinGen allele CA382616911.
Genomic context (GRCh38, chr11:112,087,862, plus strand): 5'-GTCAGTCCTGTTAAAGGAGAGGTTCTTATGATCATCCTAATGACTCTTTCCTCAGCTCTG[T>A]TGCTTCGAACTCCAGTGGTCAGACCTGCTCATATCTCAGCATTTCTTCAGGACCGACCTA-3'
Protein context (NP_002993.1, residues 10-30): VCGALGGRAL[Leu20Met]LRTPVVRPAH